The following is an entry in ClinVar:

ClinVar aggregate classification (germline): Uncertain significance (1 of 4 stars; one submission).

Submission:

Ambry Genetics
Classification: Uncertain significance. Last evaluated: 2024-01-29. Review status: criteria provided, single submitter. Criteria: Ambry Variant Classification Scheme 2023. Collection method: clinical testing. Allele origin: germline.
Comment: The p.I657M variant (also known as c.1971T>G), located in coding exon 18 of the BUB1 gene, results from a T to G substitution at nucleotide position 1971. The isoleucine at codon 657 is replaced by methionine, an amino acid with highly similar properties. This amino acid position is conserved. In addition, this alteration is predicted to be tolerated by in silico analysis. Based on the available evidence, the clinical significance of this alteration remains unclear.

NM_004336.5(BUB1):c.1971T>G (p.Ile657Met)

Gene: BUB1 (BUB1 mitotic checkpoint serine/threonine kinase; minus strand). Cytogenetic location: 2q13.
Variant type: single nucleotide variant.
Coding change: c.1971T>G on transcript NM_004336.5 (MANE Select); coding-DNA position 1971, T replaced by G.
Protein change: p.Ile657Met; replaces isoleucine 657 with methionine.
Molecular consequence: missense variant.
Genome position (GRCh38, 1-based): chr2:110,650,778, A>C on the plus strand (T>G on the coding strand, the complement: BUB1 is on the minus strand). VCF-style: chr2-110650778-A-C. GRCh37 (hg19) VCF-style: chr2-111408355-A-C.
Other names: c.1911T>G, p.Ile637Met (NM_001278616.2); c.1971T>G, p.Ile657Met (NM_001278617.2); short protein forms I637M, I657M.
Identifiers: ClinVar variation 3224028 (VCV003224028.1), dbSNP rs1689765031, ClinGen allele CA348210179.